The following is an entry in ClinVar:

NM_001077418.3(TMEM231):c.557G>T (p.Cys186Phe)

Gene: TMEM231 (transmembrane protein 231; minus strand). Cytogenetic location: 16q23.1.
Variant type: single nucleotide variant.
Coding change: c.557G>T on transcript NM_001077418.3 (MANE Select); coding-DNA position 557, G replaced by T.
Protein change: p.Cys186Phe; replaces cysteine 186 with phenylalanine.
Molecular consequence: missense variant. On other transcripts: non-coding transcript variant (1).
Genome position (GRCh38, 1-based): chr16:75,545,377, C>A on the plus strand (G>T on the coding strand, the complement: TMEM231 is on the minus strand). VCF-style: chr16-75545377-C-A. GRCh37 (hg19) VCF-style: chr16-75579275-C-A.
Other names: c.716G>T, p.Cys239Phe (NM_001077416.2); short protein forms C186F, C239F.
Identifiers: ClinVar variation 1513378 (VCV001513378.3), dbSNP rs1280264089, ClinGen allele CA396806639.
Genomic context (GRCh38, chr16:75,545,377, plus strand): 5'-AAACAAAGGAGCTGGACAATGAGAAGCGCTCTTACGTTGTATCGGGCATCTAGGCCACCA[C>A]AGCTCAGCGGCTGCTTCTGCTGCAGCCTCAGGTCTCCGTTCACGTATAACTGGGATCCCG-3'
Protein context (NP_001070886.1, residues 176-196): LRLQQKQPLS[Cys186Phe]GGLDARYNIS

ClinVar aggregate classification (germline): Uncertain significance (1 of 4 stars; one submission).

Conditions:
Joubert syndrome 20 (JBTS20). Identifiers: Orphanet 475, MedGen C3554235, MONDO:0013994, OMIM 614970.
Meckel syndrome, type 11 (MKS11). Identifiers: Orphanet 564, MedGen C3809352, MONDO:0014164, OMIM 615397.

gnomAD v4.1: 1 of 1,612,792 alleles (0.000062%); highest among the groups gnomAD compares: African/African-American, 0.0013%; no homozygotes.

Submission:

Labcorp Genetics (formerly Invitae), Labcorp
Classification: Uncertain significance for Joubert syndrome 20; Meckel syndrome, type 11. Last evaluated: 2021-08-17. Review status: criteria provided, single submitter. Criteria: Invitae Variant Classification Sherloc (09022015). Collection method: clinical testing. Allele origin: germline.
Comment: This sequence change replaces cysteine with phenylalanine at codon 239 of the TMEM231 protein (p.Cys239Phe). The cysteine residue is weakly conserved and there is a large physicochemical difference between cysteine and phenylalanine. This variant is not present in population databases (ExAC no frequency). This variant has not been reported in the literature in individuals affected with TMEM231-related conditions. Algorithms developed to predict the effect of missense changes on protein structure and function are either unavailable or do not agree on the potential impact of this missense change (SIFT: "Tolerated"; PolyPhen-2: "Not Available"; Align-GVGD: "Class C0"). In summary, the available evidence is currently insufficient to determine the role of this variant in disease. Therefore, it has been classified as a Variant of Uncertain Significance.